The following is an entry in ClinVar:

NM_001369369.1(FOXN1):c.284C>A (p.Pro95His)

Gene: FOXN1 (forkhead box N1; plus strand). Cytogenetic location: 17q11.2.
Variant type: single nucleotide variant.
Coding change: c.284C>A on transcript NM_001369369.1 (MANE Select); coding-DNA position 284, C replaced by A.
Protein change: p.Pro95His; replaces proline 95 with histidine.
Molecular consequence: missense variant.
Genome position (GRCh38, 1-based): chr17:28,524,663, C>A. VCF-style: chr17-28524663-C-A. GRCh37 (hg19) VCF-style: chr17-26851681-C-A.
Other names: c.284C>A, p.Pro95His (NM_003593.3); short protein forms P95H.
Identifiers: ClinVar variation 3622353 (VCV003622353.2).

ClinVar aggregate classification (germline): Uncertain significance (1 of 4 stars; one submission).

Conditions:
T-cell immunodeficiency, congenital alopecia, and nail dystrophy. Also called: Congenital alopecia and nail dystrophy associated with severe functional T-cell immunodeficiency; Pignata Guarino syndrome. Identifiers: Orphanet 169095, MedGen C1866426, MONDO:0011132, OMIM 601705.

Submission:

Labcorp Genetics (formerly Invitae), Labcorp
Classification: Uncertain significance for T-cell immunodeficiency, congenital alopecia, and nail dystrophy. Last evaluated: 2024-03-07. Review status: criteria provided, single submitter. Criteria: Invitae Variant Classification Sherloc (09022015). Collection method: clinical testing. Allele origin: germline.
Comment: This sequence change replaces proline, which is neutral and non-polar, with histidine, which is basic and polar, at codon 95 of the FOXN1 protein (p.Pro95His). This variant is not present in population databases (gnomAD no frequency). This variant has not been reported in the literature in individuals affected with FOXN1-related conditions. Advanced modeling of protein sequence and biophysical properties (such as structural, functional, and spatial information, amino acid conservation, physicochemical variation, residue mobility, and thermodynamic stability) performed at Invitae indicates that this missense variant is not expected to disrupt FOXN1 protein function with a negative predictive value of 80%. In summary, the available evidence is currently insufficient to determine the role of this variant in disease. Therefore, it has been classified as a Variant of Uncertain Significance.